The following is an entry in ClinVar:

NM_000352.6(ABCC8):c.4538T>C (p.Met1513Thr)

Gene: ABCC8 (ATP binding cassette subfamily C member 8; minus strand). Cytogenetic location: 11p15.1.
Variant type: single nucleotide variant.
Coding change: c.4538T>C on transcript NM_000352.6 (MANE Select); coding-DNA position 4538, T replaced by C.
Protein change: p.Met1513Thr; replaces methionine 1513 with threonine.
Molecular consequence: missense variant. On other transcripts: non-coding transcript variant (1).
Genome position (GRCh38, 1-based): chr11:17,394,273, A>G on the plus strand (T>C on the coding strand, the complement: ABCC8 is on the minus strand). VCF-style: chr11-17394273-A-G. GRCh37 (hg19) VCF-style: chr11-17415820-A-G.
Other names: c.4541T>C, p.Met1514Thr (NM_001287174.3); c.4604T>C, p.Met1535Thr (NM_001351295.2); c.4538T>C, p.Met1513Thr (NM_001351296.2); c.4535T>C, p.Met1512Thr (NM_001351297.2); short protein forms M1512T, M1513T, M1514T, M1535T.
Identifiers: ClinVar variation 2635444 (VCV002635444.1), dbSNP rs2496438882, ClinGen allele CA379782719.

ClinVar aggregate classification (germline): Likely pathogenic (1 of 4 stars; one submission).

Conditions:
ABCC8-related disorder.

Submission:

PreventionGenetics, part of Exact Sciences
Classification: Likely pathogenic for ABCC8-related condition. Last evaluated: 2022-12-19. Review status: criteria provided, single submitter. Criteria: ACMG Guidelines, 2015. Collection method: clinical testing. Allele origin: germline.
Comment: The ABCC8 c.4538T>C variant is predicted to result in the amino acid substitution p.Met1513Thr. This variant, described as c.4541T>C (p.Met1514Thr) was reported two related individuals with Maturity Onset Diabetes of the Young with Diabetes/MODY (Tatsi et al 2019. PubMed ID: 31604004). A different missense change at the same amino acid position p.Met1513Lys (reported as p.Met1514Lys) has been reported to occur de novo in a patient with congenital hyperinsulinism (Nessa A et al 2015. PubMed ID: 26092864). This variant has not been reported in a large population database, indicating this variant is rare. This variant is interpreted as likely pathogenic.